The following is an entry in ClinVar:

ClinVar aggregate classification (germline): Uncertain significance. Review status: criteria provided, multiple submitters, no conflicts (2 of 4 stars). 3 submissions from 3 submitters: Uncertain significance (2). 1 of the submissions does not count toward it. Last evaluated 2025-04-07.

Conditions:
Hereditary cancer-predisposing syndrome. Also called: Hereditary neoplastic syndrome; Tumor predisposition; Hereditary Cancer Syndrome; Neoplastic Syndromes, Hereditary. Identifiers: Orphanet 140162, MedGen C0027672, MeSH D009386, MONDO:0015356.
Familial cancer of breast. Also called: hereditary breast carcinoma; Hereditary breast cancer; BREAST CANCER, FAMILIAL. Identifiers: Orphanet 227535, MedGen C0346153, MONDO:0016419, OMIM 114480. Disease mechanism: loss of function.
Malignant tumor of breast. Also called: Cancer breast; Malignant breast neoplasm. Identifiers: MedGen C0006142, MONDO:0007254. Disease mechanism: loss of function.

Submissions (3):

Ambry Genetics
Classification: Uncertain significance for Hereditary cancer-predisposing syndrome. Last evaluated: 2025-04-07. Review status: criteria provided, single submitter. Criteria: Ambry Variant Classification Scheme 2023. Collection method: clinical testing. Allele origin: germline.
Comment: The p.G178E variant (also known as c.533G>A), located in coding exon 3 of the CHEK2 gene, results from a G to A substitution at nucleotide position 533. The glycine at codon 178 is replaced by glutamic acid, an amino acid with similar properties. This amino acid position is well conserved in available vertebrate species. In addition, the in silico prediction for this alteration is inconclusive. Since supporting evidence is limited at this time, the clinical significance of this alteration remains unclear.

Labcorp Genetics (formerly Invitae), Labcorp
Classification: Uncertain significance for Familial cancer of breast. Last evaluated: 2023-10-18. Review status: criteria provided, single submitter. Criteria: Invitae Variant Classification Sherloc (09022015). Collection method: clinical testing. Allele origin: germline.
Comment: This sequence change replaces glycine, which is neutral and non-polar, with glutamic acid, which is acidic and polar, at codon 178 of the CHEK2 protein (p.Gly178Glu). This variant is not present in population databases (gnomAD no frequency). This variant has not been reported in the literature in individuals affected with CHEK2-related conditions. ClinVar contains an entry for this variant (Variation ID: 220904). Algorithms developed to predict the effect of missense changes on protein structure and function output the following: SIFT: "Not Available"; PolyPhen-2: "Benign"; Align-GVGD: "Not Available". The glutamic acid amino acid residue is found in multiple mammalian species, which suggests that this missense change does not adversely affect protein function. In summary, the available evidence is currently insufficient to determine the role of this variant in disease. Therefore, it has been classified as a Variant of Uncertain Significance.

Department of Pathology and Laboratory Medicine, Sinai Health System
Classification: Uncertain significance for Malignant tumor of breast. Review status: no assertion criteria provided. Collection method: clinical testing. Allele origin: unknown. Affected: yes. Observed: 1 variant allele. Study: The Canadian Open Genetics Repository (COGR). Not counted in ClinVar's aggregate classification.
Comment: The CHEK2 p.Gly178Glu variant was not identified in the literature nor was it identified in the Cosmic, MutDB, or Zhejiang University databases. The variant was identified in dbSNP (ID: rs864622691) as "With Uncertain significance allele", and in ClinVar database (classified as uncertain significance by Invitae). The variant was not identified in the following control databases: the Exome Aggregation Consortium (August 8th 2016), or the Genome Aggregation Database (Feb 27, 2017). The p.Gly178 residue is conserved in mammals but not in more distantly related organisms, and four out of five computational analyses (PolyPhen-2, SIFT, AlignGVGD, BLOSUM, MutationTaster) suggest that the variant may impact the protein; however, this information is not predictive enough to assume pathogenicity. The variant occurs outside of the splicing consensus sequence and in silico or computational prediction software programs (SpliceSiteFinder, MaxEntScan, NNSPLICE, GeneSplicer) do not predict a difference in splicing. In summary, based on the above information the clinical significance of this variant cannot be determined with certainty at this time. This variant is classified as a variant of uncertain significance.

NM_007194.4(CHEK2):c.533G>A (p.Gly178Glu)

Gene: CHEK2 (checkpoint kinase 2; minus strand). Cytogenetic location: 22q12.1.
Variant type: single nucleotide variant.
Coding change: c.533G>A on transcript NM_007194.4 (MANE Select); coding-DNA position 533, G replaced by A.
Protein change: p.Gly178Glu; replaces glycine 178 with glutamic acid.
Molecular consequence: missense variant. On other transcripts: 5 prime UTR variant (2), intron variant (1).
Genome position (GRCh38, 1-based): chr22:28,725,036, C>T on the plus strand (G>A on the coding strand, the complement: CHEK2 is on the minus strand). VCF-style: chr22-28725036-C-T. GRCh37 (hg19) VCF-style: chr22-29121024-C-T.
Other names: c.662G>A, p.Gly221Glu (NM_001005735.3, NM_001438294.1); c.-245G>A (NM_001257387.3); c.-131G>A (NM_001437942.1); c.626G>A, p.Gly209Glu (NM_001438293.1, NM_001438295.1); c.533G>A, p.Gly178Glu (NM_145862.3); c.445-113G>A (NM_001349956.3); short protein forms G178E, G221E, G209E.
Identifiers: ClinVar variation 220904 (VCV000220904.14), dbSNP rs864622691, ClinGen allele CA348835.